The following is an entry in ClinVar:

ClinVar aggregate classification (germline): Conflicting classifications of pathogenicity. Review status: criteria provided, conflicting classifications (1 of 4 stars). 3 submissions from 3 submitters: Uncertain significance (1); Likely benign (2). Last evaluated 2024-09-27.

Allele frequency attached by ClinVar (database versions not stated): gnomAD below 0.00001 and 0.00001; TOPMed below 0.00001; ExAC 0.00005; gnomAD exomes 0.00006.
gnomAD v4.1: 44 of 1,613,702 alleles (0.0027%); highest among the groups gnomAD compares: South Asian, 0.04%; 1 homozygote.

Submissions (3):

Labcorp Genetics (formerly Invitae), Labcorp
Classification: Likely benign. Last evaluated: 2024-09-27. Review status: criteria provided, single submitter. Criteria: Invitae Variant Classification Sherloc (09022015). Collection method: clinical testing. Allele origin: germline.

CeGaT Center for Human Genetics Tuebingen
Classification: Likely benign. Last evaluated: 2022-07-01. Review status: criteria provided, single submitter. Criteria: CeGaT Center For Human Genetics Tuebingen Variant Classification Criteria Version 2. Collection method: clinical testing. Allele origin: germline. Affected: yes. Observed: 1 variant allele.
Comment: SETD5: BP4

Genetic Services Laboratory, University of Chicago
Classification: Uncertain significance. Last evaluated: 2015-09-29. Review status: criteria provided, single submitter. Criteria: ACMG Guidelines, 2015. Collection method: clinical testing. Allele origin: germline. Affected: no.

NM_001080517.3(SETD5):c.3862G>A (p.Gly1288Ser)

Gene: SETD5 (SET domain containing 5; plus strand). Cytogenetic location: 3p25.3.
Variant type: single nucleotide variant.
Coding change: c.3862G>A on transcript NM_001080517.3 (MANE Select); coding-DNA position 3862, G replaced by A.
Protein change: p.Gly1288Ser; replaces glycine 1288 with serine.
Molecular consequence: missense variant.
Genome position (GRCh38, 1-based): chr3:9,475,624, G>A. VCF-style: chr3-9475624-G-A. GRCh37 (hg19) VCF-style: chr3-9517308-G-A.
Other names: c.3568G>A, p.Gly1190Ser (NM_001292043.2, NM_001349451.2); short protein forms G1288S, G1190S.
Identifiers: ClinVar variation 436695 (VCV000436695.34), dbSNP rs755607090, ClinGen allele CA2239821.
Genomic context (GRCh38, chr3:9,475,624, plus strand): 5'-CAGTCTCCAGGATACAGTTATCGAACTACTGCACTGAGACCTGGAAACCCCCCCTCTCAC[G>A]GTTCTTCAGAATCATCCCTCTCTTCCACGTCCTATTCCAGCCCCGCCCACCCTGTGTCCA-3'
Protein context (NP_001073986.1, residues 1278-1298): ALRPGNPPSH[Gly1288Ser]SSESSLSSTS